The following is an entry in ClinVar:

ClinVar aggregate classification (germline): Likely pathogenic (1 of 4 stars; one submission).

Conditions:
HIBCH-related disorder. Also called: HIBCH-related condition.

Submission:

PreventionGenetics, part of Exact Sciences
Classification: Likely pathogenic for HIBCH-related condition. Last evaluated: 2026-02-02. Review status: criteria provided, single submitter. Criteria: ACMG Guidelines, 2015. Collection method: clinical testing. Allele origin: germline.
Comment: The HIBCH c.753dupT variant is predicted to result in premature protein termination (p.Lys252*). To our knowledge, this variant has not been reported in the literature or in a large population database (gnomAD), indicating this variant is rare. Nonsense variants in HIBCH are expected to be pathogenic. This variant is interpreted as likely pathogenic.

NM_014362.4(HIBCH):c.753dup (p.Lys252Ter)

Gene: HIBCH (3-hydroxyisobutyryl-CoA hydrolase; minus strand). Cytogenetic location: 2q32.2.
Variant type: Duplication.
Coding change: c.753dup on transcript NM_014362.4 (MANE Select); coding-DNA position 753, one base duplicated (T; older notation c.753dupT).
Protein change: p.Lys252Ter; replaces lysine 252 with a stop codon.
Molecular consequence: nonsense.
Genome position (GRCh38, 1-based): chr2:190,246,210, A duplicated on the plus strand (T on the coding strand, the reverse complement: HIBCH is on the minus strand). VCF-style (leftmost placement, unchanged base first): chr2-190246209-T-TA. GRCh37 (hg19) VCF-style: chr2-191110935-T-TA.
Other names: c.753dup, p.Lys252Ter (NM_198047.3); short protein forms K252*.
Identifiers: ClinVar variation 4983113 (VCV004983113.1).
Genomic context (GRCh38, chr2:190,246,209, plus strand): 5'-GGTACCTGTTTATTTTGTCCATGTGTTCCTCAAGTATAAAAGACTTGTCTCGATCAATCT[T>TA]AGACTGTTTGAAAAGAAAAATCTTTTAATAAATTTGAACACAATTTTTTAATCCTTAAAA-3'